The following is an entry in ClinVar:

NM_032607.3(CREB3L3):c.1370C>T (p.Ala457Val)

Genes: CREB3L3 (cAMP responsive element binding protein 3 like 3; plus strand), LOC125371455 (Sharpr-MPRA regulatory region 11650; plus strand). Cytogenetic location: 19p13.3.
Variant type: single nucleotide variant.
Coding change: c.1370C>T on transcript NM_032607.3 (MANE Select); coding-DNA position 1370, C replaced by T.
Protein change: p.Ala457Val; replaces alanine 457 with valine.
Molecular consequence: missense variant. On other transcripts: 3 prime UTR variant (1).
Genome position (GRCh38, 1-based): chr19:4,171,953, C>T. VCF-style: chr19-4171953-C-T. GRCh37 (hg19) VCF-style: chr19-4171950-C-T.
Other names: c.1367C>T, p.Ala456Val (NM_001271995.2); c.1364C>T, p.Ala455Val (NM_001271996.2); c.*249C>T (NM_001271997.2); short protein forms A456V, A455V, A457V.
Identifiers: ClinVar variation 1949838 (VCV001949838.5), dbSNP rs556140229, ClinGen allele CA9091694.
Genomic context (GRCh38, chr19:4,171,953, plus strand): 5'-TGCTGGACTGGGTGGCGCCTGGGCCGAGCACTGGCTCAGGACGTGCAGGGCTGGAGGCGG[C>T]GGGAGACGAGCTGTGAGCCCCGCCAGGACTATGCTCCCAGGCCCCTCTGCCCAGGGGTGC-3'
Protein context (NP_115996.1, residues 447-461): TGSGRAGLEA[Ala457Val]GDEL

ClinVar aggregate classification (germline): Uncertain significance (1 of 4 stars; one submission).

Allele frequency attached by ClinVar (database versions not stated): TOPMed 0.00001; gnomAD 0.00003; ExAC 0.00005; 1000 Genomes Project 0.00020; 1000 Genomes Project 30x 0.00031.
gnomAD v4.1: 44 of 1,601,260 alleles (0.0027%); highest among the groups gnomAD compares: South Asian, 0.011%; 1 homozygote.

Submission:

Labcorp Genetics (formerly Invitae), Labcorp
Classification: Uncertain significance. Last evaluated: 2025-09-21. Review status: criteria provided, single submitter. Criteria: Invitae Variant Classification Sherloc (09022015). Collection method: clinical testing. Allele origin: germline.
Comment: This sequence change replaces alanine, which is neutral and non-polar, with valine, which is neutral and non-polar, at codon 457 of the CREB3L3 protein (p.Ala457Val). This variant is present in population databases (rs556140229, gnomAD 0.01%). This variant has not been reported in the literature in individuals affected with CREB3L3-related conditions. ClinVar contains an entry for this variant (Variation ID: 1949838). An algorithm developed to predict the effect of missense changes on protein structure and function outputs the following: PolyPhen-2: "Benign". The valine amino acid residue is found in multiple mammalian species, which suggests that this missense change does not adversely affect protein function. In summary, the available evidence is currently insufficient to determine the role of this variant in disease. Therefore, it has been classified as a Variant of Uncertain Significance.